The following is an entry in ClinVar:

NM_006005.3(WFS1):c.1309G>C (p.Gly437Arg)

Gene: WFS1 (wolframin ER transmembrane glycoprotein; plus strand). Cytogenetic location: 4p16.1.
Variant type: single nucleotide variant.
Coding change: c.1309G>C on transcript NM_006005.3 (MANE Select); coding-DNA position 1309, G replaced by C.
Protein change: p.Gly437Arg; replaces glycine 437 with arginine.
Molecular consequence: missense variant.
Genome position (GRCh38, 1-based): chr4:6,301,104, G>C. VCF-style: chr4-6301104-G-C. GRCh37 (hg19) VCF-style: chr4-6302831-G-C.
Other names: c.1309G>C, p.Gly437Arg (NM_001145853.1); short protein forms G437R.
Identifiers: ClinVar variation 1199427 (VCV001199427.10), dbSNP rs147974629, ClinGen allele CA2839306.
Genomic context (GRCh38, chr4:6,301,104, plus strand): 5'-TTCTCCTTCCCCATCGCCAGCAAGGACTGCATCCCCTGCTCGGAGCTGGCTGTCATCACC[G>C]GCTTCTTTACCGTGACCAGCTACCTGAGCCTGAGCACCCATGCAGAGCCCTACACGCGCA-3'
Protein context (NP_005996.2, residues 427-447): IPCSELAVIT[Gly437Arg]FFTVTSYLSL

ClinVar aggregate classification (germline): Conflicting classifications of pathogenicity. Review status: criteria provided, conflicting classifications (1 of 4 stars). 5 submissions from 5 submitters: Pathogenic (2); Likely pathogenic (2); Uncertain significance (1). Last evaluated 2026-05-15.

Conditions:
Wolfram syndrome 1 (WFS1). Identifiers: Orphanet 3463, MedGen C4551693, MONDO:0009101, OMIM 222300.
WFS1-related disorder. Identifiers: MedGen CN379391, MONDO:0700293.

gnomAD v4.1: 48 of 1,613,738 alleles (0.003%); highest among the groups gnomAD compares: Non-Finnish European, 0.0038%; no homozygotes.

Submissions (5):

PreventionGenetics, part of Exact Sciences
Classification: Likely pathogenic for WFS1-related condition. Last evaluated: 2026-05-15. Review status: criteria provided, single submitter. Criteria: ACMG Guidelines, 2015. Collection method: clinical testing. Allele origin: germline.
Comment: The WFS1 c.1309G>C variant is predicted to result in the amino acid substitution p.Gly437Arg. This variant has been reported with a second WFS1 variant in individuals with WFS1-related phenotypes, including two affected siblings (Hardy et al. 1999. PubMed ID: 10521293; Astuti et al. 2017. PMID: 28432734; Chen et al. 2019. PMID: 31765440). This variant is reported in 0.00088% of alleles in individuals of European (non-Finnish) descent in gnomAD. This variant is interpreted as uncertain in the context of autosomal dominant disease, but in the context of autosomal recessive disease is interpreted as likely pathogenic.

Labcorp Genetics (formerly Invitae), Labcorp
Classification: Pathogenic. Last evaluated: 2025-08-30. Review status: criteria provided, single submitter. Criteria: Invitae Variant Classification Sherloc (09022015). Collection method: clinical testing. Allele origin: germline.
Comment: This sequence change replaces glycine, which is neutral and non-polar, with arginine, which is basic and polar, at codon 437 of the WFS1 protein (p.Gly437Arg). This variant is present in population databases (rs147974629, gnomAD 0.0009%). This missense change has been observed in individual(s) with autosomal recessive Wolfram syndrome (PMID: 10521293, 28432734, 35469785). ClinVar contains an entry for this variant (Variation ID: 1199427). Invitae Evidence Modeling of protein sequence and biophysical properties (such as structural, functional, and spatial information, amino acid conservation, physicochemical variation, residue mobility, and thermodynamic stability) indicates that this missense variant is not expected to disrupt WFS1 protein function with a negative predictive value of 95%. For these reasons, this variant has been classified as Pathogenic.

GeneDx
Classification: Likely pathogenic. Last evaluated: 2025-07-01. Review status: criteria provided, single submitter. Criteria: GeneDx Variant Classification Process June 2021. Collection method: clinical testing. Allele origin: germline. Affected: yes.
Comment: Not observed at significant frequency in large population cohorts (gnomAD); In silico analysis suggests that this missense variant does not alter protein structure/function; This variant is associated with the following publications: (PMID: 20972738, 11317350, 12955714, 32148946, 31765440, 28432734, 37327085, 10521293, 35469785)

Victorian Clinical Genetics Services, Murdoch Childrens Research Institute
Classification: Pathogenic for Wolfram syndrome 1. Last evaluated: 2024-12-17. Review status: criteria provided, single submitter. Criteria: ACMG Guidelines, 2015. Collection method: clinical testing. Allele origin: germline. Affected: yes.
Comment: This variant is classified as Pathogenic. Evidence in support of pathogenic classification: Variant is present in gnomAD (v4) <0.01 (48 heterozygotes, 0 homozygotes); This variant has strong previous evidence of pathogenicity in unrelated individuals. It has been reported as pathogenic in multiple patients with autosomal recessive Wolfram syndrome 1 (MIM#222300) and optic atrophy (PMID: 10521293, 28432734, 31765440). It has also been classified as a VUS in ClinVar. Additional information: Variant is predicted to result in a missense amino acid change from glycine to arginine; This variant is heterozygous; This gene is associated with both recessive and dominant disease. Both deafness 6/14/38 (MIM#600965) and Wolfram-like syndrome (MIM#614296) are inherited in an autosomal dominant manner, while Wolfram syndrome 1 (MIM#222300) is autosomal recessive. A clear genotype-phenotype correlation is currently unestablished; Another missense variant(s) comparable to the one identified in this case has inconclusive previous evidence for pathogenicity. p.(Gly437Cys) has been classified as a VUS in ClinVar; Variant is not located in an established domain, motif, hotspot or informative constraint region; Missense variant with an inconclusive in silico prediction and uninformative conservation; Loss of function is a known mechanism of disease in this gene and is associated with autosomal recessive Wolfram syndrome (MIM#222300). Dominant-negative is suggested for heterozygous missense variants causing autosomal dominant Wolfram-like syndrome (MIM#614296) (PMID: 32219690); Heterozygous variant detected in trans with a second PATHOGENIC heterozygous variant, NM_006005.3(WFS1):c.2654C>T; p.(Pro885Leu), in a recessive disease.

Blueprint Genetics
Classification: Uncertain significance. Last evaluated: 2024-03-05. Review status: criteria provided, single submitter. Criteria: ACMG Guidelines, 2015. Collection method: clinical testing. Allele origin: germline.

Literature cited by the submitters: PubMed 10521293 (cited by Labcorp Genetics (formerly Invitae), Labcorp and Victorian Clinical Genetics Services, Murdoch Childrens Research Institute); PubMed 28432734 (cited by Labcorp Genetics (formerly Invitae), Labcorp and Victorian Clinical Genetics Services, Murdoch Childrens Research Institute); PubMed 35469785 (cited by Labcorp Genetics (formerly Invitae), Labcorp); PubMed 32219690 (cited by Victorian Clinical Genetics Services, Murdoch Childrens Research Institute); PubMed 31765440 (cited by Victorian Clinical Genetics Services, Murdoch Childrens Research Institute).